The following is an entry in ClinVar:

ClinVar aggregate classification (germline): Uncertain significance (1 of 4 stars; one submission).

Submission:

Labcorp Genetics (formerly Invitae), Labcorp
Classification: Uncertain significance. Last evaluated: 2024-08-28. Review status: criteria provided, single submitter. Criteria: Invitae Variant Classification Sherloc (09022015). Collection method: clinical testing. Allele origin: germline.
Comment: This sequence change replaces serine, which is neutral and polar, with cysteine, which is neutral and slightly polar, at codon 908 of the NLRP1 protein (p.Ser908Cys). This variant is not present in population databases (gnomAD no frequency). This variant has not been reported in the literature in individuals affected with NLRP1-related conditions. An algorithm developed to predict the effect of missense changes on protein structure and function (PolyPhen-2) suggests that this variant is likely to be tolerated. In summary, the available evidence is currently insufficient to determine the role of this variant in disease. Therefore, it has been classified as a Variant of Uncertain Significance.

NM_033004.4(NLRP1):c.2723C>G (p.Ser908Cys)

Gene: NLRP1 (NLR family pyrin domain containing 1; minus strand). Cytogenetic location: 17p13.2.
Variant type: single nucleotide variant.
Coding change: c.2723C>G on transcript NM_033004.4 (MANE Select); coding-DNA position 2723, C replaced by G.
Protein change: p.Ser908Cys; replaces serine 908 with cysteine.
Molecular consequence: missense variant.
Genome position (GRCh38, 1-based): chr17:5,539,562, G>C on the plus strand (C>G on the coding strand, the complement: NLRP1 is on the minus strand). VCF-style: chr17-5539562-G-C. GRCh37 (hg19) VCF-style: chr17-5442882-G-C.
Other names: c.2723C>G, p.Ser908Cys (NM_001033053.3, NM_014922.5, NM_033006.4 and 1 more transcripts); short protein forms S908C.
Identifiers: ClinVar variation 3697714 (VCV003697714.2).
Genomic context (GRCh38, chr17:5,539,562, plus strand): 5'-TCTAGCTCCTTCAGGCTGGGGCTGGCACTAAGCACAGAGGCCAGGTCCTGGCAGCAGTCA[G>C]ACGTGAGGCCACAGCTGACCAGCCTGCAGGAAAGATACACGCCAGCCCAGGTCATTGTCC-3'
Protein context (NP_127497.1, residues 898-918): RLQLVSCGLT[Ser908Cys]DCCQDLASVL